The following is an entry in ClinVar:

NM_004744.5(LRAT):c.319A>G (p.Ser107Gly)

Gene: LRAT (lecithin retinol acyltransferase; plus strand). Cytogenetic location: 4q32.1.
Variant type: single nucleotide variant.
Coding change: c.319A>G on transcript NM_004744.5 (MANE Select); coding-DNA position 319, A replaced by G.
Protein change: p.Ser107Gly; replaces serine 107 with glycine.
Molecular consequence: missense variant.
Genome position (GRCh38, 1-based): chr4:154,744,645, A>G. VCF-style: chr4-154744645-A-G. GRCh37 (hg19) VCF-style: chr4-155665797-A-G.
Other names: c.319A>G, p.Ser107Gly (NM_001301645.2); short protein forms S107G.
Identifiers: ClinVar variation 958685 (VCV000958685.8), dbSNP rs532889931, ClinGen allele CA3115849.

ClinVar aggregate classification (germline): Uncertain significance. Review status: criteria provided, multiple submitters, no conflicts (2 of 4 stars). 2 submissions from 2 submitters: Uncertain significance (2). Last evaluated 2024-05-08.

Allele frequency attached by ClinVar (database versions not stated): gnomAD 0.00001 and 0.00002; gnomAD exomes 0.00001 and 0.00009; TOPMed 0.00002; ExAC 0.00006; 1000 Genomes Project 30x 0.00031; 1000 Genomes Project 0.00040.

Submissions (2):

Blueprint Genetics
Classification: Uncertain significance. Last evaluated: 2024-05-08. Review status: criteria provided, single submitter. Criteria: ACMG Guidelines, 2015. Collection method: clinical testing. Allele origin: germline.

Labcorp Genetics (formerly Invitae), Labcorp
Classification: Uncertain significance. Last evaluated: 2022-10-25. Review status: criteria provided, single submitter. Criteria: Invitae Variant Classification Sherloc (09022015). Collection method: clinical testing. Allele origin: germline.
Comment: This sequence change replaces serine, which is neutral and polar, with glycine, which is neutral and non-polar, at codon 107 of the LRAT protein (p.Ser107Gly). This variant is present in population databases (rs532889931, gnomAD 0.1%). This variant has not been reported in the literature in individuals affected with LRAT-related conditions. ClinVar contains an entry for this variant (Variation ID: 958685). Algorithms developed to predict the effect of missense changes on protein structure and function (SIFT, PolyPhen-2, Align-GVGD) all suggest that this variant is likely to be disruptive. In summary, the available evidence is currently insufficient to determine the role of this variant in disease. Therefore, it has been classified as a Variant of Uncertain Significance.